The following is an entry in ClinVar:

NM_005732.4(RAD50):c.2861T>C (p.Ile954Thr)

Gene: RAD50 (RAD50 double strand break repair protein; plus strand). Cytogenetic location: 5q31.1.
Variant type: single nucleotide variant.
Coding change: c.2861T>C on transcript NM_005732.4 (MANE Select); coding-DNA position 2861, T replaced by C.
Protein change: p.Ile954Thr; replaces isoleucine 954 with threonine.
Molecular consequence: missense variant.
Genome position (GRCh38, 1-based): chr5:132,609,148, T>C. VCF-style: chr5-132609148-T-C. GRCh37 (hg19) VCF-style: chr5-131944840-T-C.
Other names: short protein forms I954T.
Identifiers: ClinVar variation 821917 (VCV000821917.14), dbSNP rs1581004633, ClinGen allele CA360959564.
Genomic context (GRCh38, chr5:132,609,148, plus strand): 5'-GTGTAAATTTAATGAATATTTTTCTACAGCTGAATGATATTAAAGAGAAGGTTAAAAATA[T>C]TCATGGCTATATGAAAGACATTGAGAATTATATTCAAGATGGGAAAGACGACTATAAGAA-3'
Protein context (NP_005723.2, residues 944-964): LNDIKEKVKN[Ile954Thr]HGYMKDIENY

ClinVar aggregate classification (germline): Uncertain significance. Review status: criteria provided, multiple submitters, no conflicts (2 of 4 stars). 2 submissions from 2 submitters: Uncertain significance (2). Last evaluated 2023-10-04.

Conditions:
Hereditary cancer-predisposing syndrome. Also called: Tumor predisposition; Hereditary Cancer Syndrome; Neoplastic Syndromes, Hereditary; Hereditary neoplastic syndrome. Identifiers: Orphanet 140162, MedGen C0027672, MeSH D009386, MONDO:0015356.

Submissions (2):

Labcorp Genetics (formerly Invitae), Labcorp
Classification: Uncertain significance for Hereditary cancer-predisposing syndrome. Last evaluated: 2023-10-04. Review status: criteria provided, single submitter. Criteria: Invitae Variant Classification Sherloc (09022015). Collection method: clinical testing. Allele origin: germline.
Comment: This sequence change replaces isoleucine, which is neutral and non-polar, with threonine, which is neutral and polar, at codon 954 of the RAD50 protein (p.Ile954Thr). This variant is not present in population databases (gnomAD no frequency). This variant has not been reported in the literature in individuals affected with RAD50-related conditions. ClinVar contains an entry for this variant (Variation ID: 821917). Advanced modeling of protein sequence and biophysical properties (such as structural, functional, and spatial information, amino acid conservation, physicochemical variation, residue mobility, and thermodynamic stability) performed at Invitae indicates that this missense variant is expected to disrupt RAD50 protein function. In summary, the available evidence is currently insufficient to determine the role of this variant in disease. Therefore, it has been classified as a Variant of Uncertain Significance.

Ambry Genetics
Classification: Uncertain significance for Hereditary cancer-predisposing syndrome. Last evaluated: 2019-10-24. Review status: criteria provided, single submitter. Criteria: Ambry Variant Classification Scheme 2023. Collection method: clinical testing. Allele origin: germline.
Comment: The p.I954T variant (also known as c.2861T>C), located in coding exon 18 of the RAD50 gene, results from a T to C substitution at nucleotide position 2861. The isoleucine at codon 954 is replaced by threonine, an amino acid with similar properties. This amino acid position is highly conserved in available vertebrate species. In addition, the in silico prediction for this alteration is inconclusive. Since supporting evidence is limited at this time, the clinical significance of this alteration remains unclear.